The following is an entry in ClinVar:

NM_005245.4(FAT1):c.12694T>C (p.Tyr4232His)

Gene: FAT1 (FAT atypical cadherin 1; minus strand). Cytogenetic location: 4q35.2.
Variant type: single nucleotide variant.
Coding change: c.12694T>C on transcript NM_005245.4 (MANE Select); coding-DNA position 12694, T replaced by C.
Protein change: p.Tyr4232His; replaces tyrosine 4232 with histidine.
Molecular consequence: missense variant.
Genome position (GRCh38, 1-based): chr4:186,596,846, A>G on the plus strand (T>C on the coding strand, the complement: FAT1 is on the minus strand). VCF-style: chr4-186596846-A-G. GRCh37 (hg19) VCF-style: chr4-187518000-A-G.
Other names: short protein forms Y4232H.
Identifiers: ClinVar variation 3900471 (VCV003900471.1).
Genomic context (GRCh38, chr4:186,596,846, plus strand): 5'-GGACAGGCACCTGGGGTGGTATGTCTGAGTAAATGTTCTTATTTAGCTTGGAATCAAAAT[A>G]CGGTCTTTGCAAGAAAGCCGTAGCGGGTCCCAGGTGCTTGTCTTTAGGTTCAGCCTGATG-3'
Protein context (NP_005236.2, residues 4222-4242): GPATAFLQRP[Tyr4232His]FDSKLNKNIY

ClinVar aggregate classification (germline): Uncertain significance (1 of 4 stars; one submission).

gnomAD v4.1: 8 of 1,613,870 alleles (0.0005%); highest among the groups gnomAD compares: Middle Eastern, 0.066%; no homozygotes.

Submission:

GeneDx
Classification: Uncertain significance. Last evaluated: 2024-11-20. Review status: criteria provided, single submitter. Criteria: GeneDx Variant Classification Process June 2021. Collection method: clinical testing. Allele origin: germline. Affected: yes.
Comment: Not observed at significant frequency in large population cohorts (gnomAD); In silico analysis indicates that this missense variant does not alter protein structure/function; Has not been previously published as pathogenic or benign to our knowledge